The following is an entry in ClinVar:

ClinVar aggregate classification (germline): Uncertain significance (1 of 4 stars; one submission).

Conditions:
Imerslund-Grasbeck syndrome. Also called: Imerslund-Gräsbeck syndrome; ENTEROCYTE COBALAMIN MALABSORPTION; ENTEROCYTE INTRINSIC FACTOR RECEPTOR, DEFECT OF; PERNICIOUS ANEMIA, JUVENILE, DUE TO SELECTIVE INTESTINAL MALABSORPTION OF VITAMIN B12, WITH PROTEINURIA; Megaloblastic anemia due to inborn errors of metabolism. Identifiers: Orphanet 35858, MedGen C4551825, MONDO:0009853.

gnomAD v4.1: 4 of 1,613,802 alleles (0.00025%); highest among the groups gnomAD compares: South Asian, 0.0022%; no homozygotes.

Submission:

Labcorp Genetics (formerly Invitae), Labcorp
Classification: Uncertain significance for Imerslund-Grasbeck syndrome. Last evaluated: 2025-06-01. Review status: criteria provided, single submitter. Criteria: Invitae Variant Classification Sherloc (09022015). Collection method: clinical testing. Allele origin: germline.
Comment: This sequence change replaces serine, which is neutral and polar, with phenylalanine, which is neutral and non-polar, at codon 1537 of the CUBN protein (p.Ser1537Phe). This variant is not present in population databases (gnomAD no frequency). This missense change has been observed in individual(s) with clinical features of steroid-resistant nephrotic syndrome (PMID: 25349199, 36112210). In at least one individual the data is consistent with being in trans (on the opposite chromosome) from a pathogenic variant. Invitae Evidence Modeling of protein sequence and biophysical properties (such as structural, functional, and spatial information, amino acid conservation, physicochemical variation, residue mobility, and thermodynamic stability) indicates that this missense variant is not expected to disrupt CUBN protein function with a negative predictive value of 80%. In summary, the available evidence is currently insufficient to determine the role of this variant in disease. Therefore, it has been classified as a Variant of Uncertain Significance.

Literature cited by the submitters: PubMed 25349199; PubMed 36112210.

NM_001081.4(CUBN):c.4610C>T (p.Ser1537Phe)

Gene: CUBN (cubilin; minus strand). Cytogenetic location: 10p13.
Variant type: single nucleotide variant.
Coding change: c.4610C>T on transcript NM_001081.4 (MANE Select); coding-DNA position 4610, C replaced by T.
Protein change: p.Ser1537Phe; replaces serine 1537 with phenylalanine.
Molecular consequence: missense variant.
Genome position (GRCh38, 1-based): chr10:16,982,569, G>A on the plus strand (C>T on the coding strand, the complement: CUBN is on the minus strand). VCF-style: chr10-16982569-G-A. GRCh37 (hg19) VCF-style: chr10-17024568-G-A.
Other names: short protein forms S1537F.
Identifiers: ClinVar variation 4709722 (VCV004709722.1).
Genomic context (GRCh38, chr10:16,982,569, plus strand): 5'-AGATCAAAGTCAGTGAAGTTCAAGAGAACACGATGATTTCTGTCAACCCGAATGACCCAA[G>A]AACAGTCTGTGTTGCTCCTATAAGGACTGGGGTAATTTGGAGAATGAATCTCTCCACTGG-3'
Protein context (NP_001072.2, residues 1527-1547): PSPYRSNTDC[Ser1537Phe]WVIRVDRNHR